The following is an entry in ClinVar:

NM_001267550.2(TTN):c.16844T>C (p.Met5615Thr)

Genes: TTN (titin; minus strand), LOC126806431 (CDK7 strongly-dependent group 2 enhancer GRCh37_chr2:179595719-179596918; plus strand). Cytogenetic location: 2q31.2.
Variant type: single nucleotide variant.
Coding change: c.16844T>C on transcript NM_001267550.2 (MANE Select); coding-DNA position 16844, T replaced by C.
Protein change: p.Met5615Thr; replaces methionine 5615 with threonine.
Molecular consequence: missense variant. On other transcripts: intron variant (3).
Genome position (GRCh38, 1-based): chr2:178,732,125, A>G on the plus strand (T>C on the coding strand, the complement: TTN is on the minus strand). VCF-style: chr2-178732125-A-G. GRCh37 (hg19) VCF-style: chr2-179596852-A-G.
Other names: c.15893T>C, p.Met5298Thr (NM_001256850.1); c.13112T>C, p.Met4371Thr (NM_133378.4); c.13282+5957T>C (NM_003319.4); c.13858+5957T>C (NM_133437.4); c.13657+5957T>C (NM_133432.3); short protein forms M4371T, M5298T, M5615T.
Identifiers: ClinVar variation 3391508 (VCV003391508.1).

ClinVar aggregate classification (germline): Uncertain significance (1 of 4 stars; one submission).

gnomAD v4.1: 20 of 1,613,630 alleles (0.0012%); highest among the groups gnomAD compares: African/African-American, 0.004%; no homozygotes.

Submission:

GeneDx
Classification: Uncertain significance. Last evaluated: 2024-06-17. Review status: criteria provided, single submitter. Criteria: GeneDx Variant Classification Process June 2021. Collection method: clinical testing. Allele origin: germline. Affected: yes.
Comment: Not observed at significant frequency in large population cohorts (gnomAD); Missense variant in a gene in which most reported pathogenic variants are truncating/loss of function; Has not been previously published as pathogenic or benign to our knowledge